The following is an entry in ClinVar:

ClinVar aggregate classification (germline): Uncertain significance (1 of 4 stars; one submission).

Submission:

Labcorp Genetics (formerly Invitae), Labcorp
Classification: Uncertain significance. Last evaluated: 2021-06-24. Review status: criteria provided, single submitter. Criteria: Invitae Variant Classification Sherloc (09022015). Collection method: clinical testing. Allele origin: germline.
Comment: This variant has not been reported in the literature in individuals with CPLANE1-related conditions. In summary, the available evidence is currently insufficient to determine the role of this variant in disease. Therefore, it has been classified as a Variant of Uncertain Significance. Advanced modeling of protein sequence and biophysical properties (such as structural, functional, and spatial information, amino acid conservation, physicochemical variation, residue mobility, and thermodynamic stability) performed at Invitae indicates that this missense variant is not expected to disrupt CPLANE1 protein function. This variant is not present in population databases (ExAC no frequency). This sequence change replaces lysine with glutamine at codon 1246 of the CPLANE1 protein (p.Lys1246Gln). The lysine residue is moderately conserved and there is a small physicochemical difference between lysine and glutamine.

NM_001384732.1(CPLANE1):c.3736A>C (p.Lys1246Gln)

Gene: CPLANE1 (ciliogenesis and planar polarity effector complex subunit 1; minus strand). Cytogenetic location: 5p13.2.
Variant type: single nucleotide variant.
Coding change: c.3736A>C on transcript NM_001384732.1 (MANE Select); coding-DNA position 3736, A replaced by C.
Protein change: p.Lys1246Gln; replaces lysine 1246 with glutamine.
Molecular consequence: missense variant.
Genome position (GRCh38, 1-based): chr5:37,195,933, T>G on the plus strand (A>C on the coding strand, the complement: CPLANE1 is on the minus strand). VCF-style: chr5-37195933-T-G. GRCh37 (hg19) VCF-style: chr5-37196035-T-G.
Other names: c.3736A>C, p.Lys1246Gln (NM_023073.4); short protein forms K1246Q.
Identifiers: ClinVar variation 1425708 (VCV001425708.6), dbSNP rs2151369016, ClinGen allele CA359510238.